The following is an entry in ClinVar:

ClinVar aggregate classification (germline): Uncertain significance (1 of 4 stars; one submission).

Conditions:
Giant axonal neuropathy 1 (GAN1). Also called: GAN-Related Neurodegeneration; GIANT AXONAL NEUROPATHY 1, AUTOSOMAL RECESSIVE. Identifiers: Orphanet 643, MedGen C1850386, MONDO:0009749, OMIM 256850.

Submission:

Labcorp Genetics (formerly Invitae), Labcorp
Classification: Uncertain significance for Giant axonal neuropathy 1. Last evaluated: 2022-07-06. Review status: criteria provided, single submitter. Criteria: Invitae Variant Classification Sherloc (09022015). Collection method: clinical testing. Allele origin: germline.
Comment: This variant has not been reported in the literature in individuals affected with GAN-related conditions. ClinVar contains an entry for this variant (Variation ID: 950882). Algorithms developed to predict the effect of missense changes on protein structure and function are either unavailable or do not agree on the potential impact of this missense change (SIFT: "Deleterious"; PolyPhen-2: "Probably Damaging"; Align-GVGD: "Class C0"). In summary, the available evidence is currently insufficient to determine the role of this variant in disease. Therefore, it has been classified as a Variant of Uncertain Significance. This variant is not present in population databases (gnomAD no frequency). This sequence change replaces cysteine, which is neutral and slightly polar, with tryptophan, which is neutral and slightly polar, at codon 578 of the GAN protein (p.Cys578Trp).

NM_022041.4(GAN):c.1734C>G (p.Cys578Trp)

Gene: GAN (gigaxonin; plus strand). Cytogenetic location: 16q23.2.
Variant type: single nucleotide variant.
Coding change: c.1734C>G on transcript NM_022041.4 (MANE Select); coding-DNA position 1734, C replaced by G.
Protein change: p.Cys578Trp; replaces cysteine 578 with tryptophan.
Molecular consequence: missense variant.
Genome position (GRCh38, 1-based): chr16:81,377,536, C>G. VCF-style: chr16-81377536-C-G. GRCh37 (hg19) VCF-style: chr16-81411141-C-G.
Other names: c.1095C>G, p.Cys365Trp (NM_001377486.1); short protein forms C365W, C578W.
Identifiers: ClinVar variation 950882 (VCV000950882.9), dbSNP rs1904285898, ClinGen allele CA396892810.